The following is an entry in ClinVar:

NM_001164665.2(KIAA1549):c.2792C>T (p.Ala931Val)

Gene: KIAA1549 (KIAA1549; minus strand). Cytogenetic location: 7q34.
Variant type: single nucleotide variant.
Coding change: c.2792C>T on transcript NM_001164665.2 (MANE Select); coding-DNA position 2792, C replaced by T.
Protein change: p.Ala931Val; replaces alanine 931 with valine.
Molecular consequence: missense variant.
Genome position (GRCh38, 1-based): chr7:138,916,834, G>A on the plus strand (C>T on the coding strand, the complement: KIAA1549 is on the minus strand). VCF-style: chr7-138916834-G-A. GRCh37 (hg19) VCF-style: chr7-138601580-G-A.
Other names: c.2792C>T, p.Ala931Val (NM_020910.3); short protein forms A931V.
Identifiers: ClinVar variation 1520315 (VCV001520315.8), dbSNP rs1812334799, ClinGen allele CA369391976.
Genomic context (GRCh38, chr7:138,916,834, plus strand): 5'-ACTGTGATATCACAAACATATGGCGGCTTGGCAGTAGCCAGTGTTGGTGTGTCGACTGTT[G>A]CTTCGAGAGTGAAGGCAGTCACGGGACGCAGGGATGGCAGGGGAGGAGCAGCACTACTCT-3'
Protein context (NP_001158137.1, residues 921-941): LRPVTAFTLE[Ala931Val]TVDTPTLATA

ClinVar aggregate classification (germline): Uncertain significance (1 of 4 stars; one submission).

Allele frequency attached by ClinVar (database versions not stated): TOPMed below 0.00001.

Submission:

Labcorp Genetics (formerly Invitae), Labcorp
Classification: Uncertain significance. Last evaluated: 2021-03-26. Review status: criteria provided, single submitter. Criteria: Invitae Variant Classification Sherloc (09022015). Collection method: clinical testing. Allele origin: germline.
Comment: This variant is not present in population databases (ExAC no frequency). This sequence change replaces alanine with valine at codon 931 of the KIAA1549 protein (p.Ala931Val). The alanine residue is highly conserved and there is a small physicochemical difference between alanine and valine. This variant has not been reported in the literature in individuals with KIAA1549-related conditions. In summary, the available evidence is currently insufficient to determine the role of this variant in disease. Therefore, it has been classified as a Variant of Uncertain Significance. Algorithms developed to predict the effect of sequence changes on RNA splicing suggest that this variant may create or strengthen a splice site, but this prediction has not been confirmed by published transcriptional studies. Algorithms developed to predict the effect of missense changes on protein structure and function output the following: SIFT: "Deleterious"; PolyPhen-2: "Benign"; Align-GVGD: "Class C0". The valine amino acid residue is found in multiple mammalian species, suggesting that this missense change does not adversely affect protein function. These predictions have not been confirmed by published functional studies and their clinical significance is uncertain.